The following is an entry in ClinVar:

NM_001614.5(ACTG1):c.998C>G (p.Pro333Arg)

Gene: ACTG1 (actin gamma 1; minus strand). Cytogenetic location: 17q25.3.
Variant type: single nucleotide variant.
Coding change: c.998C>G on transcript NM_001614.5 (MANE Select); coding-DNA position 998, C replaced by G.
Protein change: p.Pro333Arg; replaces proline 333 with arginine.
Molecular consequence: missense variant. On other transcripts: non-coding transcript variant (1).
Genome position (GRCh38, 1-based): chr17:81,510,820, G>C on the plus strand (C>G on the coding strand, the complement: ACTG1 is on the minus strand). VCF-style: chr17-81510820-G-C. GRCh37 (hg19) VCF-style: chr17-79477846-G-C.
Other names: c.998C>G, p.Pro333Arg (NM_001199954.3); short protein forms P333R.
Identifiers: ClinVar variation 1810558 (VCV001810558.3), dbSNP rs2544386395, ClinGen allele CA401458608.

ClinVar aggregate classification (germline): Likely pathogenic. Review status: criteria provided, multiple submitters, no conflicts (2 of 4 stars). 2 submissions from 2 submitters: Likely pathogenic (2). Last evaluated 2026-04-13.

Conditions:
ACTG1-related disorder. Also called: ACTG1-related disorders; ACTG1-related condition.

Submissions (2):

GeneDx
Classification: Likely pathogenic. Last evaluated: 2026-04-13. Review status: criteria provided, single submitter. Criteria: GeneDx Variant Classification Process June 2021. Collection method: clinical testing. Allele origin: germline.
Comment: Not observed at significant frequency in large population cohorts (gnomAD); Missense variants in this gene are a common cause of disease and they are underrepresented in the general population; In silico analysis supports that this missense variant has a deleterious effect on protein structure/function; Has not been previously published as pathogenic or benign to our knowledge

PreventionGenetics, part of Exact Sciences
Classification: Likely pathogenic for ACTG1-related condition. Last evaluated: 2023-10-13. Review status: criteria provided, single submitter. Criteria: ACMG Guidelines, 2015. Collection method: clinical testing. Allele origin: germline.
Comment: The ACTG1 c.998C>G variant is predicted to result in the amino acid substitution p.Pro333Arg. To our knowledge, this variant has not been reported in the literature or in a large population database, indicating this variant is rare. At this time, the clinical significance of this variant is uncertain due to the absence of conclusive functional and genetic evidence.